The following is an entry in ClinVar:

NM_001145809.2(MYH14):c.2863C>A (p.Arg955=)

Gene: MYH14 (myosin heavy chain 14; plus strand). Cytogenetic location: 19q13.33.
Variant type: single nucleotide variant.
Coding change: c.2863C>A on transcript NM_001145809.2 (MANE Select); coding-DNA position 2863, C replaced by A.
Protein change: p.Arg955=; no amino-acid change (arginine 955 retained).
Molecular consequence: synonymous variant.
Genome position (GRCh38, 1-based): chr19:50,268,197, C>A. VCF-style: chr19-50268197-C-A. GRCh37 (hg19) VCF-style: chr19-50771454-C-A.
Other names: c.2764C>A, p.Arg922= (NM_001077186.2); c.2740C>A, p.Arg914= (NM_024729.4).
Identifiers: ClinVar variation 3026332 (VCV003026332.22), dbSNP rs1452059089, ClinGen allele CA508176053.
Genomic context (GRCh38, chr19:50,268,197, plus strand): 5'-ACTAACCTCCCACACACTCCCCAGCTGGAAGAGGAGCGCGCCCGCCTGGCAGAGCAATTG[C>A]GAGCAGAGGCAGAACTGTGTGCAGAGGCCGAGGAGACGCGGGGGAGGCTGGCAGCCCGCA-3'
Protein context (NP_001139281.1, residues 945-965): EERARLAEQL[Arg955=]AEAELCAEAE

ClinVar aggregate classification (germline): Likely benign (1 of 4 stars; one submission).

Submission:

CeGaT Center for Human Genetics Tuebingen
Classification: Likely benign. Last evaluated: 2024-02-01. Review status: criteria provided, single submitter. Criteria: CeGaT Center For Human Genetics Tuebingen Variant Classification Criteria Version 2. Collection method: clinical testing. Allele origin: germline. Affected: yes. Observed: 1 variant allele.
Comment: MYH14: PM2:Supporting, BP4, BP7